The following is an entry in ClinVar:

NM_005378.6(MYCN):c.1009C>A (p.Pro337Thr)

Gene: MYCN (MYCN proto-oncogene, bHLH transcription factor; plus strand). Cytogenetic location: 2p24.3.
Variant type: single nucleotide variant.
Coding change: c.1009C>A on transcript NM_005378.6 (MANE Select); coding-DNA position 1009, C replaced by A.
Protein change: p.Pro337Thr; replaces proline 337 with threonine.
Molecular consequence: missense variant. On other transcripts: 3 prime UTR variant (1).
Genome position (GRCh38, 1-based): chr2:15,945,711, C>A. VCF-style: chr2-15945711-C-A. GRCh37 (hg19) VCF-style: chr2-16085833-C-A.
Other names: c.*944C>A (NM_001293233.2); c.1009C>A, p.Pro337Thr (NM_001293228.2); c.376C>A, p.Pro126Thr (NM_001293231.2); short protein forms P126T, P337T.
Identifiers: ClinVar variation 2650695 (VCV002650695.24), dbSNP rs1662847362, ClinGen allele CA345932075.

ClinVar aggregate classification (germline): Uncertain significance (1 of 4 stars; one submission).

Allele frequency attached by ClinVar (database versions not stated): TOPMed below 0.00001.

Submission:

CeGaT Center for Human Genetics Tuebingen
Classification: Uncertain significance. Last evaluated: 2022-08-01. Review status: criteria provided, single submitter. Criteria: CeGaT Center For Human Genetics Tuebingen Variant Classification Criteria Version 2. Collection method: clinical testing. Allele origin: germline. Affected: yes. Observed: 1 variant allele.
Comment: MYCN: PM2